The following is an entry in ClinVar:

NC_012920.1(MT-ATP6):m.8768C>T

Gene: MT-ATP6 (mitochondrially encoded ATP synthase 6; plus strand).
Variant type: single nucleotide variant.
Genome position: chrM-8768-C-T.
Identifiers: ClinVar variation 692981 (VCV000692981.1), dbSNP rs386829048, ClinGen allele CA414797963.

ClinVar aggregate classification (germline): Benign (1 of 4 stars; one submission).

Conditions:
Leigh syndrome (NULS). Also called: Leigh's necrotizing encephalopathy; Leigh's disease; Leigh Syndrome (mtDNA deletion); Leigh Disease; Subacute necrotizing encephalopathy; Necrotizing encephalopathy infantile subacute of Leigh. Identifiers: Orphanet 506, MedGen C2931891, MONDO:0009723, OMIM 256000.

Submission:

Wong Mito Lab, Molecular and Human Genetics, Baylor College of Medicine
Classification: Benign for Leigh syndrome. Last evaluated: 2019-10-17. Review status: criteria provided, single submitter. Criteria: Modified ACMG Guidelines (Unpublished). Collection method: clinical testing. Allele origin: germline.
Comment: The NC_012920.1:m.8768C>T (YP_003024031.1:p.Thr81Met) variant in MTATP6 gene is interpretated to be a Benign variant based on the modified ACMG guidelines (unpublished). This variant meets the following evidence codes: BS1, BS2